The following is an entry in ClinVar:

ClinVar aggregate classification (germline): Uncertain significance. Review status: criteria provided, multiple submitters, no conflicts (2 of 4 stars). 3 submissions from 3 submitters: Uncertain significance (3). Last evaluated 2023-12-08.

Conditions:
Inborn genetic diseases. Identifiers: MedGen C0950123, MeSH D030342.
Nemaline myopathy 6 (NEM6). Also called: Nemaline myopathy 6, autosomal dominant. Identifiers: Orphanet 171439, MedGen C1836472, MONDO:0012237, OMIM 609273.

gnomAD v4.1: 1 of 1,605,500 alleles (0.000062%); no homozygotes.

Submissions (3):

Ambry Genetics
Classification: Uncertain significance for Inborn genetic diseases. Last evaluated: 2023-12-08. Review status: criteria provided, single submitter. Criteria: Ambry Variant Classification Scheme 2023. Collection method: clinical testing. Allele origin: germline.

Labcorp Genetics (formerly Invitae), Labcorp
Classification: Uncertain significance for Nemaline myopathy 6. Last evaluated: 2020-01-04. Review status: criteria provided, single submitter. Criteria: Invitae Variant Classification Sherloc (09022015). Collection method: clinical testing. Allele origin: germline.
Comment: Algorithms developed to predict the effect of missense changes on protein structure and function are either unavailable or do not agree on the potential impact of this missense change (SIFT: "Tolerated"; PolyPhen-2: "Probably Damaging"; Align-GVGD: "Class C0"). In summary, the available evidence is currently insufficient to determine the role of this variant in disease. Therefore, it has been classified as a Variant of Uncertain Significance. This variant has not been reported in the literature in individuals with KBTBD13-related conditions. ClinVar contains an entry for this variant (Variation ID: 429852). This sequence change replaces leucine with valine at codon 336 of the KBTBD13 protein (p.Leu336Val). The leucine residue is moderately conserved and there is a small physicochemical difference between leucine and valine. This variant is not present in population databases (ExAC no frequency).

GeneDx
Classification: Uncertain significance. Last evaluated: 2017-05-16. Review status: criteria provided, single submitter. Criteria: GeneDx Variant Classification (06012015). Collection method: clinical testing. Allele origin: germline. Affected: yes.
Comment: A variant of uncertain significance has been identified in the KBTBD13 gene. The L336V variant has not been published as a pathogenic variant, nor has it been reported as a benign variant to our knowledge. The L336V variant is not observed in large population cohorts (Lek et al., 2016; 1000 Genomes Consortium et al., 2015; Exome Variant Server). The L336V variant is a conservative amino acid substitution, which is not likely to impact secondary protein structure as these residues share similar properties. This substitution occurs at a position where amino acids with similar properties to Leucine are tolerated across species. In silico analysis is inconsistent in its predictions as to whether or not the variant is damaging to the protein structure/function. Based on the currently available information, it is unclear whether this variant is a pathogenic variant or a rare benign variant.

NM_001101362.3(KBTBD13):c.1006C>G (p.Leu336Val)

Gene: KBTBD13 (kelch repeat and BTB domain containing 13; plus strand). Cytogenetic location: 15q22.31.
Variant type: single nucleotide variant.
Coding change: c.1006C>G on transcript NM_001101362.3 (MANE Select); coding-DNA position 1006, C replaced by G.
Protein change: p.Leu336Val; replaces leucine 336 with valine.
Molecular consequence: missense variant.
Genome position (GRCh38, 1-based): chr15:65,077,821, C>G. VCF-style: chr15-65077821-C-G. GRCh37 (hg19) VCF-style: chr15-65370159-C-G.
Other names: short protein forms L336V.
Identifiers: ClinVar variation 429852 (VCV000429852.11), dbSNP rs1131691634, ClinGen allele CA392864986.